The following is an entry in ClinVar:

NM_001384474.1(LOXHD1):c.1887C>T (p.Ser629=)

Gene: LOXHD1 (lipoxygenase homology PLAT domains 1; minus strand). Cytogenetic location: 18q21.1.
Variant type: single nucleotide variant.
Coding change: c.1887C>T on transcript NM_001384474.1 (MANE Select); coding-DNA position 1887, C replaced by T.
Protein change: p.Ser629=; no amino-acid change (serine 629 retained).
Molecular consequence: synonymous variant.
Genome position (GRCh38, 1-based): chr18:46,577,790, G>A on the plus strand (C>T on the coding strand, the complement: LOXHD1 is on the minus strand). VCF-style: chr18-46577790-G-A. GRCh37 (hg19) VCF-style: chr18-44157753-G-A.
Other names: c.1887C>T, p.Ser629= (NM_144612.7).
Identifiers: ClinVar variation 326865 (VCV000326865.24), dbSNP rs189550119, ClinGen allele CA8952741.

ClinVar aggregate classification (germline): Conflicting classifications of pathogenicity. Review status: criteria provided, conflicting classifications (1 of 4 stars). 5 submissions from 5 submitters: Uncertain significance (1); Likely benign (3). 1 of the submissions does not count toward it. Last evaluated 2026-03-01.

Conditions:
Autosomal recessive nonsyndromic hearing loss 77. Identifiers: Orphanet 90636, MedGen C2746083, MONDO:0013119, OMIM 613079.

Allele frequency attached by ClinVar (database versions not stated): 1000 Genomes Project 30x 0.00062; ExAC 0.00018; gnomAD exomes 0.00020 and 0.00026; gnomAD 0.00021 and 0.00022; TOPMed 0.00033; 1000 Genomes Project 0.00060.
gnomAD v4.1: 318 of 1,551,588 alleles (0.02%); highest among the groups gnomAD compares: Admixed American, 0.088%; 1 homozygote.

Submissions (5):

CeGaT Center for Human Genetics Tuebingen
Classification: Likely benign. Last evaluated: 2026-03-01. Review status: criteria provided, single submitter. Criteria: CeGaT Center For Human Genetics Tuebingen Variant Classification Criteria Version 2. Collection method: clinical testing. Allele origin: germline. Affected: yes. Observed: 1 variant allele.
Comment: LOXHD1: BP4, BP7

Labcorp Genetics (formerly Invitae), Labcorp
Classification: Likely benign. Last evaluated: 2026-01-11. Review status: criteria provided, single submitter. Criteria: Invitae Variant Classification Sherloc (09022015). Collection method: clinical testing. Allele origin: germline.

Illumina Laboratory Services, Illumina
Classification: Uncertain significance for Autosomal recessive nonsyndromic hearing loss 77. Last evaluated: 2018-01-13. Review status: criteria provided, single submitter. Criteria: ICSL Variant Classification Criteria 13 December 2019. Collection method: clinical testing. Allele origin: germline.

Laboratory for Molecular Medicine, Mass General Brigham Personalized Medicine
Classification: Likely benign. Last evaluated: 2016-08-04. Review status: criteria provided, single submitter. Criteria: LMM Criteria. Collection method: clinical testing. Allele origin: germline. Observed: 2 variant alleles.
Comment: p.Ser629Ser in exon 14 of LOXHD1: This variant is not expected to have clinical significance because it does not alter an amino acid residue and is not located within the splice consensus sequence. It has been identified in 3/8710 European chromosomes by the Exome Aggregation Consortium (ExAC; dbSNP rs189550119).

Natera, Inc.
Classification: Likely benign for Autosomal recessive deafness type 77. Last evaluated: 2019-11-11. Review status: no assertion criteria provided. Collection method: clinical testing. Allele origin: germline. Not counted in ClinVar's aggregate classification.